The following is an entry in ClinVar:

NM_002474.3(MYH11):c.4567G>A (p.Val1523Met)

Genes: NDE1 (nudE neurodevelopment protein 1; plus strand), MYH11 (myosin heavy chain 11; minus strand). Cytogenetic location: 16p13.11.
Variant type: single nucleotide variant.
Coding change: c.4567G>A on transcript NM_002474.3 (MANE Select); coding-DNA position 4567, G replaced by A.
Protein change: p.Val1523Met; replaces valine 1523 with methionine.
Molecular consequence: missense variant. On other transcripts: intron variant (2).
Genome position (GRCh38, 1-based): chr16:15,721,433, C>T on the plus strand (G>A on the coding strand, the complement: MYH11 is on the minus strand). VCF-style: chr16-15721433-C-T. GRCh37 (hg19) VCF-style: chr16-15815290-C-T.
Other names: c.4588G>A, p.Val1530Met (NM_001040113.2, NM_001040114.2); c.4567G>A, p.Val1523Met (NM_022844.3); c.948-2758C>T (NM_001143979.2, NM_017668.3); short protein forms V1523M, V1530M.
Identifiers: ClinVar variation 1938720 (VCV001938720.10), dbSNP rs919030976, ClinGen allele CA278602586.

ClinVar aggregate classification (germline): Uncertain significance. Review status: criteria provided, multiple submitters, no conflicts (2 of 4 stars). 4 submissions from 4 submitters: Uncertain significance (4). Last evaluated 2024-03-07.

Conditions:
Familial thoracic aortic aneurysm and aortic dissection (TAAD). Also called: Thoracic aortic aneurysms and dissections. Identifiers: Orphanet 91387, MedGen C4707243, MONDO:0019625.
Aortic aneurysm, familial thoracic 4 (AAT4). Also called: AORTIC ANEURYSM/AORTIC DISSECTION AND PATENT DUCTUS ARTERIOSUS. Identifiers: MedGen C1851504, MONDO:0007568, OMIM 132900.

Allele frequency attached by ClinVar (database versions not stated): gnomAD exomes below 0.00001.
gnomAD v4.1: 1 of 1,614,166 alleles (0.000062%); highest among the groups gnomAD compares: Non-Finnish European, 0.000085%; no homozygotes.

Submissions (4):

Color Diagnostics, LLC DBA Color Health
Classification: Uncertain significance for Familial thoracic aortic aneurysm and aortic dissection. Last evaluated: 2024-03-07. Review status: criteria provided, single submitter. Criteria: ACMG Guidelines, 2015. Collection method: clinical testing. Allele origin: germline.
Comment: This missense variant replaces valine with methionine at codon 1530 of the MYH11 protein. Computational prediction indicates that is variant may have an uncertain impact on protein structure and function. To our knowledge, functional studies have not been reported for this variant. This variant has not been reported in individuals affected with MYH11-related disorders in the literature. This variant has not been identified in the general population by the Genome Aggregation Database (gnomAD). The available evidence is insufficient to determine the role of this variant in disease conclusively. Therefore, this variant is classified as a Variant of Uncertain Significance.

All of Us Research Program, National Institutes of Health
Classification: Uncertain significance for Familial thoracic aortic aneurysm and aortic dissection. Last evaluated: 2023-12-18. Review status: criteria provided, single submitter. Criteria: ACMG Guidelines, 2015. Collection method: clinical testing. Allele origin: germline. Inheritance: Autosomal dominant inheritance. Observed: 1 variant allele, 1 heterozygote.
Comment: This missense variant replaces valine with methionine at codon 1530 of the MYH11 protein. Computational prediction is inconclusive regarding the impact of this variant on protein structure and function (internally defined REVEL score threshold 0.5 < inconclusive < 0.7, PMID: 27666373). To our knowledge, functional studies have not been reported for this variant. This variant has not been reported in individuals affected with cardiovascular disorders in the literature. This variant has not been identified in the general population by the Genome Aggregation Database (gnomAD). The available evidence is insufficient to determine the role of this variant in disease conclusively. Therefore, this variant is classified as a Variant of Uncertain Significance.

This study involves interpretation of variants in research participants for the purpose of population health screening. Participant phenotype was not available at the time of variant classification. Additional details can be found in publication PMID: 35346344, PMCID: PMC8962531

Revvity Omics, Revvity
Classification: Uncertain significance. Last evaluated: 2023-04-24. Review status: criteria provided, single submitter. Criteria: ACMG Guidelines, 2015. Collection method: clinical testing. Allele origin: germline.

Labcorp Genetics (formerly Invitae), Labcorp
Classification: Uncertain significance for Aortic aneurysm, familial thoracic 4. Last evaluated: 2022-02-07. Review status: criteria provided, single submitter. Criteria: Invitae Variant Classification Sherloc (09022015). Collection method: clinical testing. Allele origin: germline.
Comment: This variant has not been reported in the literature in individuals affected with MYH11-related conditions. In summary, the available evidence is currently insufficient to determine the role of this variant in disease. Therefore, it has been classified as a Variant of Uncertain Significance. Algorithms developed to predict the effect of missense changes on protein structure and function are either unavailable or do not agree on the potential impact of this missense change (SIFT: "Deleterious"; PolyPhen-2: "Probably Damaging"; Align-GVGD: "Class C0"). This variant is not present in population databases (gnomAD no frequency). This sequence change replaces valine, which is neutral and non-polar, with methionine, which is neutral and non-polar, at codon 1530 of the MYH11 protein (p.Val1530Met).